The following is an entry in ClinVar:

NM_000136.3(FANCC):c.-2A>G

Gene: FANCC (FA complementation group C; minus strand). Cytogenetic location: 9q22.32.
Variant type: single nucleotide variant.
Coding change: c.-2A>G on transcript NM_000136.3 (MANE Select); 2 bases upstream of the start codon, A replaced by G.
Molecular consequence: 5 prime UTR variant.
Genome position (GRCh38, 1-based): chr9:95,249,293, T>C on the plus strand (A>G on the coding strand, the complement: FANCC is on the minus strand). VCF-style: chr9-95249293-T-C. GRCh37 (hg19) VCF-style: chr9-98011575-T-C.
Other names: c.-2A>G (NM_001243743.2, NM_001243744.2).
Identifiers: ClinVar variation 216858 (VCV000216858.13), dbSNP rs773045474, ClinGen allele CA338748.

ClinVar aggregate classification (germline): Uncertain significance. Review status: criteria provided, multiple submitters, no conflicts (2 of 4 stars). 4 submissions from 4 submitters: Uncertain significance (3). 1 of the submissions does not count toward it. Last evaluated 2026-04-09.

Conditions:
Hereditary cancer-predisposing syndrome. Also called: Tumor predisposition; Neoplastic Syndromes, Hereditary; Hereditary Cancer Syndrome; Hereditary neoplastic syndrome. Identifiers: Orphanet 140162, MedGen C0027672, MeSH D009386, MONDO:0015356.
Fanconi anemia (FA). Also called: Fanconi's anemia. Identifiers: Orphanet 84, MedGen C0015625, MeSH D005199, MONDO:0019391.

Allele frequency attached by ClinVar (database versions not stated): gnomAD exomes 0.00001 and 0.00003.
gnomAD v4.1: 38 of 1,614,026 alleles (0.0024%); highest among the groups gnomAD compares: Admixed American, 0.0033%; no homozygotes.

Submissions (4):

Women's Health and Genetics/Laboratory Corporation of America, LabCorp
Classification: Uncertain significance. Last evaluated: 2026-04-09. Review status: criteria provided, single submitter. Criteria: LabCorp Variant Classification Summary - May 2015. Collection method: clinical testing. Allele origin: germline.

Labcorp Genetics (formerly Invitae), Labcorp
Classification: Uncertain significance for Fanconi anemia. Last evaluated: 2024-05-06. Review status: criteria provided, single submitter. Criteria: Invitae Variant Classification Sherloc (09022015). Collection method: clinical testing. Allele origin: germline.
Comment: This variant occurs in a non-coding region of the FANCC gene. It does not change the encoded amino acid sequence of the FANCC protein. This variant is present in population databases (rs773045474, gnomAD 0.006%). This variant has not been reported in the literature in individuals affected with FANCC-related conditions. ClinVar contains an entry for this variant (Variation ID: 216858). Experimental studies and prediction algorithms are not available or were not evaluated, and the functional significance of this variant is currently unknown. In summary, the available evidence is currently insufficient to determine the role of this variant in disease. Therefore, it has been classified as a Variant of Uncertain Significance.

Ambry Genetics
Classification: Uncertain significance for Hereditary cancer-predisposing syndrome. Last evaluated: 2022-10-31. Review status: criteria provided, single submitter. Criteria: Ambry Variant Classification Scheme 2023. Collection method: clinical testing. Allele origin: germline.
Comment: The c.-2A>G variant is located in the 5' untranslated region (5&rsquo; UTR) of the FANCC gene. This variant results from an A to G substitution 2 bases upstream from the first translated codon. This nucleotide position is not well conserved in available vertebrate species. Since supporting evidence is limited at this time, the clinical significance of this alteration remains unclear.

Natera, Inc.
Classification: Uncertain significance for Fanconi anemia. Last evaluated: 2020-09-18. Review status: no assertion criteria provided. Collection method: clinical testing. Allele origin: germline. Not counted in ClinVar's aggregate classification.